The following is an entry in ClinVar:

ClinVar aggregate classification (germline): Pathogenic (1 of 4 stars; one submission).

Conditions:
Cohen syndrome (COH1). Also called: PEPPER SYNDROME; Cutis verticis gyrata, retinitis pigmentosa, and sensorineural deafness. Identifiers: Orphanet 193, MedGen C0265223, MONDO:0008999, OMIM 216550.

Submission:

Labcorp Genetics (formerly Invitae), Labcorp
Classification: Pathogenic for Cohen syndrome. Last evaluated: 2020-08-15. Review status: criteria provided, single submitter. Criteria: Invitae Variant Classification Sherloc (09022015). Collection method: clinical testing. Allele origin: germline.
Comment: This variant is an out-of-frame deletion of the genomic region encompassing exon(s) 40 of the VPS13B gene. This is expected to create a premature translational stop signal and result in an absent or disrupted protein product. For these reasons, this variant has been classified as Pathogenic. Loss-of-function variants in VPS13B are known to be pathogenic (PMID: 15141358, 16648375, 20461111). This variant has not been reported in the literature in individuals with VPS13B-related conditions.

Literature cited by the submitters: PubMed 15141358; PubMed 16648375; PubMed 20461111.

NC_000008.10:g.(?_100778992)_(100779208_?)del

Gene: VPS13B (vacuolar protein sorting 13 homolog B; plus strand). Cytogenetic location: 8q22.2.
Variant type: Deletion.
Identifiers: ClinVar variation 1074672 (VCV001074672.3).